The following is an entry in ClinVar:

ClinVar aggregate classification (germline): Pathogenic/Likely pathogenic. Review status: criteria provided, multiple submitters, no conflicts (2 of 4 stars). 5 submissions from 5 submitters: Pathogenic (4); Likely pathogenic (1). Last evaluated 2025-07-09.

Conditions:
Renal cysts and diabetes syndrome (RCAD). Also called: MATURITY-ONSET DIABETES OF THE YOUNG, TYPE 5; Familial hypoplastic, glomerulocystic kidney. Identifiers: Orphanet 93111, MedGen C0431693, MONDO:0007669, OMIM 137920.
Maturity-onset diabetes of the young (MODY). Also called: Maturity onset diabetes mellitus in young. Identifiers: Orphanet 552, MedGen C0342276, MONDO:0018911, HP:0004904.

Submissions (5):

Victorian Clinical Genetics Services, Murdoch Childrens Research Institute
Classification: Pathogenic for Renal cysts and diabetes syndrome. Last evaluated: 2025-07-09. Review status: criteria provided, single submitter. Criteria: ACMG Guidelines, 2015. Collection method: clinical testing. Allele origin: germline. Affected: yes.
Comment: This variant is classified as Pathogenic. Evidence in support of pathogenic classification: Variant is predicted to cause nonsense-mediated decay (NMD) and loss of protein (premature termination codon is located at least 54 nucleotides upstream of the final exon-exon junction); Variant is absent from gnomAD (v2, v3 and v4); This variant has limited previous evidence of pathogenicity in an unrelated individual(s). It has been reported as pathogenic by a clinical laboratory (ClinVar); Other NMD-predicted variant(s) comparable to the one identified in this case have very strong previous evidence for pathogenicity (DECIPHER). Additional information: This variant is heterozygous; This gene is associated with autosomal dominant disease; Dominant negative, loss of function, and gain of function are all reported mechanisms of disease in this gene and are associated with type 2 diabetes mellitus (MIM#125853) and renal cysts and diabetes syndrome (MIM#137920; OMIM, PMID: 25536396, 11845238, 15509593); Variants in this gene are known to have variable expressivity. There is significant interfamilial and intrafamilial variability of HNF1B-related nephropathy (PMID: 33305128).

MVZ Medizinische Genetik Mainz
Classification: Pathogenic for Renal cysts and diabetes syndrome. Last evaluated: 2025-05-30. Review status: criteria provided, single submitter. Criteria: UK Practice Guidelines For Variant Classification V4 01 2020. Collection method: clinical testing. Allele origin: germline. Inheritance: Autosomal dominant inheritance. Observed: 1 variant allele.
Comment: ACMG Criteria: PVS1,PS4_SUP,PM2_SUP

Neuberg Centre For Genomic Medicine, NCGM
Classification: Pathogenic for Renal cysts and diabetes syndrome. Last evaluated: 2024-02-01. Review status: criteria provided, single submitter. Criteria: ACMG Guidelines, 2015. Collection method: clinical testing. Allele origin: germline. Inheritance: Autosomal dominant inheritance.

Institute of Human Genetics, FAU Erlangen, Friedrich-Alexander-Universität Erlangen-Nürnberg
Classification: Pathogenic for Renal cysts and diabetes syndrome. Last evaluated: 2019-07-06. Review status: criteria provided, single submitter. Criteria: ACMG Guidelines, 2015. Collection method: literature only. Allele origin: germline. Affected: yes.
Comment: This variant and it's classification has been reported by Vasileiou et al. 2019; DOI:10.1101/576918. The variants has previously been reported in PMID:25700310; PMID:12478351; PMID:29207974 as "c.1006dupC, codon 334; c.1006dup p.H336fs" with clinical significance Pathogenic. It has been re-classified using InterVar and manual curation as Pathogenic based on PVS1 PM2 PP3.

Clinical Genomics, Uppaluri K&H Personalized Medicine Clinic
Classification: Likely pathogenic for Maturity-onset diabetes of the young. Review status: criteria provided, single submitter. Criteria: K & H Uppaluri Personalized Medicine Clinic Variant Classification & Assertion Criteria_Updated V.1. Collection method: research. Allele origin: unknown. Inheritance: Autosomal dominant inheritance.
Comment: HNF1B gene mutations are associated with early onset diabetes and pancreatic atrophy. It is also associated with multiple renal manifestations including renal cysts, Tubulointerstitial disease, glomerulocystic disease, renal hypoplasia, hypomagnesemia. However no sufficient evidence is found to ascertain the role of this particular variant rs1598840795, yet.

Literature cited by the submitters: PubMed 11845238 (cited by Victorian Clinical Genetics Services, Murdoch Childrens Research Institute); PubMed 15509593 (cited by Victorian Clinical Genetics Services, Murdoch Childrens Research Institute); PubMed 25536396 (cited by Victorian Clinical Genetics Services, Murdoch Childrens Research Institute and Clinical Genomics, Uppaluri K&H Personalized Medicine Clinic); PubMed 33305128 (cited by Victorian Clinical Genetics Services, Murdoch Childrens Research Institute); PubMed 25700310 (cited by Institute of Human Genetics, FAU Erlangen, Friedrich-Alexander-Universität Erlangen-Nürnberg); PubMed 12478351 (cited by Institute of Human Genetics, FAU Erlangen, Friedrich-Alexander-Universität Erlangen-Nürnberg); PubMed 29207974 (cited by Institute of Human Genetics, FAU Erlangen, Friedrich-Alexander-Universität Erlangen-Nürnberg); DOI 10.1101/576918 (cited by Institute of Human Genetics, FAU Erlangen, Friedrich-Alexander-Universität Erlangen-Nürnberg); PubMed 24897035 (cited by Clinical Genomics, Uppaluri K&H Personalized Medicine Clinic); PubMed 27615128 (cited by Clinical Genomics, Uppaluri K&H Personalized Medicine Clinic); PubMed 28215227 (cited by Clinical Genomics, Uppaluri K&H Personalized Medicine Clinic); PubMed 33434175 (cited by Clinical Genomics, Uppaluri K&H Personalized Medicine Clinic); PubMed 25741167 (cited by Clinical Genomics, Uppaluri K&H Personalized Medicine Clinic); PubMed 26340261 (cited by Clinical Genomics, Uppaluri K&H Personalized Medicine Clinic); PubMed 19639018 (cited by Clinical Genomics, Uppaluri K&H Personalized Medicine Clinic).

NM_000458.4(HNF1B):c.1006dup (p.His336fs)

Gene: HNF1B (HNF1 homeobox B; minus strand). Cytogenetic location: 17q12.
Variant type: Duplication.
Coding change: c.1006dup on transcript NM_000458.4 (MANE Select); coding-DNA position 1006, one base duplicated (C; older notation c.1006dupC).
Protein change: p.His336fs; shifts the reading frame from histidine 336.
Molecular consequence: frameshift variant.
Genome position (GRCh38, 1-based): chr17:37,731,634, G duplicated on the plus strand (C on the coding strand, the reverse complement: HNF1B is on the minus strand); the first of 6 consecutive G bases (chr17:37,731,634-37,731,639); duplicating any one gives the same sequence. VCF-style (leftmost placement, unchanged base first): chr17-37731633-T-TG. GRCh37 (hg19) VCF-style: chr17-36091624-T-TG.
Other names: c.928dup, p.His310fs (NM_001165923.4, NM_001304286.2); short protein forms H310fs, H336fs.
Identifiers: ClinVar variation 635617 (VCV000635617.7), dbSNP rs1598840795, ClinGen allele CA913190767.